The following is an entry in ClinVar:

NM_000384.3(APOB):c.4796G>T (p.Arg1599Leu)

Gene: APOB (apolipoprotein B; minus strand). Cytogenetic location: 2p24.1.
Variant type: single nucleotide variant.
Coding change: c.4796G>T on transcript NM_000384.3 (MANE Select); coding-DNA position 4796, G replaced by T.
Protein change: p.Arg1599Leu; replaces arginine 1599 with leucine.
Molecular consequence: missense variant.
Genome position (GRCh38, 1-based): chr2:21,012,072, C>A on the plus strand (G>T on the coding strand, the complement: APOB is on the minus strand). VCF-style: chr2-21012072-C-A. GRCh37 (hg19) VCF-style: chr2-21234944-C-A.
Other names: short protein forms R1599L.
Identifiers: ClinVar variation 429368 (VCV000429368.8), dbSNP rs746414462, ClinGen allele CA061292.

ClinVar aggregate classification (germline): Conflicting classifications of pathogenicity. Review status: criteria provided, conflicting classifications (1 of 4 stars). 3 submissions from 3 submitters: Uncertain significance (2); Likely benign (1). Last evaluated 2025-06-01.

Conditions:
Cardiovascular phenotype. Identifiers: MedGen CN230736.
Hypercholesterolemia, autosomal dominant, type B (FHCL2). Also called: APOB-Related Familial Hypercholesterolemia, Autosomal Dominant; Familial Hypercholesterolemia Type B; APOLIPOPROTEIN B-100, FAMILIAL DEFECTIVE; APOLIPOPROTEIN B-100, FAMILIAL LIGAND-DEFECTIVE; Hyperlipoproteinemia Type IIb; Familial hypercholesterolemia 2. Identifiers: MedGen C1704417, MONDO:0007751, OMIM 144010.
Familial hypobetalipoproteinemia 1. Also called: APOB-Related Familial Hypobetalipoproteinemia; Hypobetalipoproteinemia, normotriglyceridemic; Acanthocytosis with hypobetalipoproteinemia. Identifiers: MedGen C4551990, MONDO:0014252, OMIM 615558.

gnomAD v4.1: 8 of 1,614,030 alleles (0.0005%); highest among the groups gnomAD compares: Non-Finnish European, 0.00068%; no homozygotes.

Submissions (3):

Ambry Genetics
Classification: Uncertain significance for Cardiovascular phenotype. Last evaluated: 2025-06-01. Review status: criteria provided, single submitter. Criteria: Ambry Variant Classification Scheme 2023. Collection method: clinical testing. Allele origin: germline.
Comment: The p.R1599L variant (also known as c.4796G>T), located in coding exon 26 of the APOB gene, results from a G to T substitution at nucleotide position 4796. The arginine at codon 1599 is replaced by leucine, an amino acid with dissimilar properties. This amino acid position is conserved. In addition, this alteration is predicted to be tolerated by in silico analysis. Since supporting evidence is limited at this time, the clinical significance of this alteration remains unclear.

Labcorp Genetics (formerly Invitae), Labcorp
Classification: Likely benign for Familial hypobetalipoproteinemia 1; Hypercholesterolemia, autosomal dominant, type B. Last evaluated: 2025-03-17. Review status: criteria provided, single submitter. Criteria: Invitae Variant Classification Sherloc (09022015). Collection method: clinical testing. Allele origin: germline.

GeneDx
Classification: Uncertain significance. Last evaluated: 2017-05-08. Review status: criteria provided, single submitter. Criteria: GeneDx Variant Classification (06012015). Collection method: clinical testing. Allele origin: germline. Affected: yes.
Comment: A variant of uncertain significance has been identified in the APOB gene. The R1599L variant has not been published as pathogenic or been reported as benign to our knowledge. This variant is not observed at a significant frequency in large population cohorts (Lek et al., 2016; 1000 Genomes Consortium et al., 2015; Exome Variant Server). The R1599L variant is a non-conservative amino acid substitution, which is likely to impact secondary protein structure as these residues differ in polarity, charge, size and/or other properties. In addition, this substitution occurs at a position that is conserved in mammals. Moreover, in silico analysis predicts this variant is probably damaging to the protein structure/function. Nevertheless, no missense variants in nearby residues have been reported in the Human Gene Mutation Database in association with FH (Stenson et al., 2014).